The following is an entry in ClinVar:

NM_000217.3(KCNA1):c.179A>G (p.Asn60Ser)

Gene: KCNA1 (potassium voltage-gated channel subfamily A member 1; plus strand). Cytogenetic location: 12p13.32.
Variant type: single nucleotide variant.
Coding change: c.179A>G on transcript NM_000217.3 (MANE Select); coding-DNA position 179, A replaced by G.
Protein change: p.Asn60Ser; replaces asparagine 60 with serine.
Molecular consequence: missense variant.
Genome position (GRCh38, 1-based): chr12:4,911,557, A>G. VCF-style: chr12-4911557-A-G. GRCh37 (hg19) VCF-style: chr12-5020723-A-G.
Other names: c.179A>G (NM_000217.2); short protein forms N60S.
Identifiers: ClinVar variation 1003091 (VCV001003091.8), dbSNP rs752067203, ClinGen allele CA6399354.
Genomic context (GRCh38, chr12:4,911,557, plus strand): 5'-TGATCAACATCTCCGGGCTGCGCTTCGAGACGCAGCTCAAGACCCTGGCGCAGTTCCCCA[A>G]CACGCTGCTGGGCAACCCTAAGAAACGCATGCGCTACTTCGACCCCCTGAGGAACGAGTA-3'
Protein context (NP_000208.2, residues 50-70): TQLKTLAQFP[Asn60Ser]TLLGNPKKRM

ClinVar aggregate classification (germline): Uncertain significance. Review status: criteria provided, multiple submitters, no conflicts (2 of 4 stars). 3 submissions from 3 submitters: Uncertain significance (3). Last evaluated 2026-07-01.

Conditions:
Inborn genetic diseases. Identifiers: MedGen C0950123, MeSH D030342.
Episodic ataxia type 1 (EA1). Also called: PAROXYSMAL ATAXIA WITH NEUROMYOTONIA, HEREDITARY; ATAXIA, EPISODIC, WITH MYOKYMIA; Episodic ataxia/myokymia syndrome; MYOKYMIA WITH PERIODIC ATAXIA. Identifiers: Orphanet 37612, Orphanet 972, MedGen C1719788, MONDO:0008047, OMIM 160120.

Allele frequency attached by ClinVar (database versions not stated): TOPMed 0.00003; gnomAD exomes below 0.00001 and 0.00002; ExAC 0.00002; gnomAD 0.00002.

Submissions (3):

CeGaT Center for Human Genetics Tuebingen
Classification: Uncertain significance. Last evaluated: 2026-07-01. Review status: criteria provided, single submitter. Criteria: CeGaT Center For Human Genetics Tuebingen Variant Classification Criteria Version 2. Collection method: clinical testing. Allele origin: germline. Affected: yes. Observed: 1 variant allele.

Labcorp Genetics (formerly Invitae), Labcorp
Classification: Uncertain significance for Episodic ataxia type 1. Last evaluated: 2025-10-01. Review status: criteria provided, single submitter. Criteria: Invitae Variant Classification Sherloc (09022015). Collection method: clinical testing. Allele origin: germline.
Comment: This sequence change replaces asparagine, which is neutral and polar, with serine, which is neutral and polar, at codon 60 of the KCNA1 protein (p.Asn60Ser). This variant is present in population databases (rs752067203, gnomAD 0.01%). This variant has not been reported in the literature in individuals affected with KCNA1-related conditions. ClinVar contains an entry for this variant (Variation ID: 1003091). Invitae Evidence Modeling of protein sequence and biophysical properties (such as structural, functional, and spatial information, amino acid conservation, physicochemical variation, residue mobility, and thermodynamic stability) indicates that this missense variant is not expected to disrupt KCNA1 protein function with a negative predictive value of 80%. In summary, the available evidence is currently insufficient to determine the role of this variant in disease. Therefore, it has been classified as a Variant of Uncertain Significance.

Ambry Genetics
Classification: Uncertain significance for Inborn genetic diseases. Last evaluated: 2021-11-05. Review status: criteria provided, single submitter. Criteria: Ambry Variant Classification Scheme 2023. Collection method: clinical testing. Allele origin: germline.